The following is an entry in ClinVar:

NM_001256789.3(CACNA1F):c.3793-1G>A

Gene: CACNA1F (calcium voltage-gated channel subunit alpha1 F; minus strand). Cytogenetic location: Xp11.23.
Variant type: single nucleotide variant.
Coding change: c.3793-1G>A on transcript NM_001256789.3 (MANE Select); the canonical splice acceptor site of the intron before coding-DNA position 3793, G replaced by A.
Molecular consequence: splice acceptor variant.
Genome position (GRCh38, 1-based): chrX:49,212,995, C>T on the plus strand (G>A on the coding strand, the complement: CACNA1F is on the minus strand). VCF-style: chrX-49212995-C-T. GRCh37 (hg19) VCF-style: chrX-49069455-C-T.
Other names: c.3826-1G>A (NM_005183.4); c.3631-1G>A (NM_001256790.3).
Identifiers: ClinVar variation 2035654 (VCV002035654.4), dbSNP rs2520823426, ClinGen allele CA412962540.

ClinVar aggregate classification (germline): Likely pathogenic (1 of 4 stars; one submission).

Submission:

Labcorp Genetics (formerly Invitae), Labcorp
Classification: Likely pathogenic. Last evaluated: 2021-12-06. Review status: criteria provided, single submitter. Criteria: Invitae Variant Classification Sherloc (09022015). Collection method: clinical testing. Allele origin: germline.
Comment: This sequence change affects an acceptor splice site in intron 31 of the CACNA1F gene. It is expected to disrupt RNA splicing. Variants that disrupt the donor or acceptor splice site typically lead to a loss of protein function (PMID: 16199547), and loss-of-function variants in CACNA1F are known to be pathogenic (PMID: 9662399, 11281458, 17525176, 22194652, 24124559, 26992781). This variant is not present in population databases (gnomAD no frequency). Disruption of this splice site has been observed in individual(s) with CACNA1F-related conditions (Invitae). Algorithms developed to predict the effect of sequence changes on RNA splicing suggest that this variant may disrupt the consensus splice site. In summary, the currently available evidence indicates that the variant is pathogenic, but additional data are needed to prove that conclusively. Therefore, this variant has been classified as Likely Pathogenic.

Literature cited by the submitters: PubMed 16199547; PubMed 9662399; PubMed 11281458; PubMed 17525176; PubMed 22194652; PubMed 24124559; PubMed 26992781.